The following is an entry in ClinVar:

ClinVar aggregate classification (germline): Uncertain significance (1 of 4 stars; one submission).

Submission:

Ambry Genetics
Classification: Uncertain significance. Last evaluated: 2021-12-15. Review status: criteria provided, single submitter. Criteria: Ambry Variant Classification Scheme 2023. Collection method: clinical testing. Allele origin: germline.
Comment: The p.R907P variant (also known as c.2720G>C), located in coding exon 15 of the PALLD gene, results from a G to C substitution at nucleotide position 2720. The arginine at codon 907 is replaced by proline, an amino acid with dissimilar properties. This amino acid position is conserved. In addition, this alteration is predicted to be deleterious by in silico analysis. Since supporting evidence is limited at this time, the clinical significance of this alteration remains unclear.

NM_001166108.2(PALLD):c.2771G>C (p.Arg924Pro)

Genes: CBR4 (carbonyl reductase 4; minus strand), PALLD (palladin, cytoskeletal associated protein; plus strand). Cytogenetic location: 4q32.3.
Variant type: single nucleotide variant.
Coding change: c.2771G>C on transcript NM_001166108.2 (MANE Select); coding-DNA position 2771, G replaced by C.
Protein change: p.Arg924Pro; replaces arginine 924 with proline.
Molecular consequence: missense variant.
Genome position (GRCh38, 1-based): chr4:168,915,948, G>C. VCF-style: chr4-168915948-G-C. GRCh37 (hg19) VCF-style: chr4-169837099-G-C.
Other names: c.1574G>C, p.Arg525Pro (NM_001166109.2); c.1259G>C, p.Arg420Pro (NM_001166110.2); c.599G>C, p.Arg200Pro (NM_001367567.1, NM_001367569.1); c.650G>C, p.Arg217Pro (NM_001367568.1, NM_001367570.1); c.2720G>C, p.Arg907Pro (NM_016081.4); short protein forms R217P, R525P, R907P, R924P, R420P, R200P.
Identifiers: ClinVar variation 1795192 (VCV001795192.2), dbSNP rs755336512, ClinGen allele CA358706684.
Genomic context (GRCh38, chr4:168,915,948, plus strand): 5'-TTTCAAGGCCTCGTTCTAGATCAAGGGACAGTGGAGACGAAAATGAACCAATTCAGGAGC[G>C]ATTCTTCAGACCTCACTTCTTGCAGGCTCCTGGAGATCTGACTGTTCAAGAAGGAAAACT-3'
Protein context (NP_001159580.1, residues 914-934): SGDENEPIQE[Arg924Pro]FFRPHFLQAP